The following is an entry in ClinVar:

NM_020919.4(ALS2):c.4021C>T (p.Arg1341Cys)

Gene: ALS2 (alsin Rho guanine nucleotide exchange factor ALS2; minus strand). Cytogenetic location: 2q33.1.
Variant type: single nucleotide variant.
Coding change: c.4021C>T on transcript NM_020919.4 (MANE Select); coding-DNA position 4021, C replaced by T.
Protein change: p.Arg1341Cys; replaces arginine 1341 with cysteine.
Molecular consequence: missense variant.
Genome position (GRCh38, 1-based): chr2:201,711,092, G>A on the plus strand (C>T on the coding strand, the complement: ALS2 is on the minus strand). VCF-style: chr2-201711092-G-A. GRCh37 (hg19) VCF-style: chr2-202575815-G-A.
Other names: short protein forms R1341C.
Identifiers: ClinVar variation 412224 (VCV000412224.6), dbSNP rs771371026, ClinGen allele CA2057683.

ClinVar aggregate classification (germline): Uncertain significance (1 of 4 stars; one submission).

Conditions:
Infantile-onset ascending hereditary spastic paralysis (IAHSP). Also called: Infantile-Onset Ascending Hereditary Spastic Paralysis (IAHSP); Autosomal Recessive Juvenile Amyotrophic Lateral Sclerosis. Identifiers: Orphanet 293168, MedGen C2931441, MONDO:0011797, OMIM 607225. Disease mechanism: loss of function.

Allele frequency attached by ClinVar (database versions not stated): ExAC 0.00001; gnomAD exomes 0.00001 and 0.00003; TOPMed 0.00002; gnomAD 0.00003.
gnomAD v4.1: 46 of 1,604,534 alleles (0.0029%); highest among the groups gnomAD compares: Non-Finnish European, 0.0038%; no homozygotes.

Submission:

Labcorp Genetics (formerly Invitae), Labcorp
Classification: Uncertain significance for Infantile-onset ascending hereditary spastic paralysis. Last evaluated: 2022-02-06. Review status: criteria provided, single submitter. Criteria: Invitae Variant Classification Sherloc (09022015). Collection method: clinical testing. Allele origin: germline.
Comment: In summary, the available evidence is currently insufficient to determine the role of this variant in disease. Therefore, it has been classified as a Variant of Uncertain Significance. Algorithms developed to predict the effect of missense changes on protein structure and function are either unavailable or do not agree on the potential impact of this missense change (SIFT: "Deleterious"; PolyPhen-2: "Benign"; Align-GVGD: "Class C65"). ClinVar contains an entry for this variant (Variation ID: 412224). This variant has not been reported in the literature in individuals affected with ALS2-related conditions. This variant is present in population databases (rs771371026, gnomAD 0.003%). This sequence change replaces arginine, which is basic and polar, with cysteine, which is neutral and slightly polar, at codon 1341 of the ALS2 protein (p.Arg1341Cys).